The following is an entry in ClinVar:

NM_000388.4(CASR):c.1645G>A (p.Gly549Arg)

Gene: CASR (calcium sensing receptor; plus strand). Cytogenetic location: 3q21.1.
Variant type: single nucleotide variant.
Coding change: c.1645G>A on transcript NM_000388.4 (MANE Select); coding-DNA position 1645, G replaced by A.
Protein change: p.Gly549Arg; replaces glycine 549 with arginine.
Molecular consequence: missense variant.
Genome position (GRCh38, 1-based): chr3:122,282,149, G>A. VCF-style: chr3-122282149-G-A. GRCh37 (hg19) VCF-style: chr3-122000996-G-A.
Other names: c.1675G>A, p.Gly559Arg (NM_001178065.2); short protein forms G559R, G549R.
Identifiers: ClinVar variation 1468770 (VCV001468770.8), dbSNP rs2107648261, ClinGen allele CA354156184.

ClinVar aggregate classification (germline): Pathogenic (1 of 4 stars; one submission).

Conditions:
Familial hypocalciuric hypercalcemia (FHH). Also called: Familial benign hypercalcemia. Identifiers: Orphanet 405, MedGen C1809471, MONDO:0018458.
Autosomal dominant hypocalcemia 1 (HYPOC1). Also called: HYPOCALCEMIA, FAMILIAL. Identifiers: MedGen C3715128, MONDO:0011013, OMIM 601198.

Submission:

Labcorp Genetics (formerly Invitae), Labcorp
Classification: Pathogenic for Familial hypocalciuric hypercalcemia; Autosomal dominant hypocalcemia 1. Last evaluated: 2024-10-01. Review status: criteria provided, single submitter. Criteria: Invitae Variant Classification Sherloc (09022015). Collection method: clinical testing. Allele origin: germline.
Comment: This sequence change replaces glycine, which is neutral and non-polar, with arginine, which is basic and polar, at codon 549 of the CASR protein (p.Gly549Arg). This variant is not present in population databases (gnomAD no frequency). This missense change has been observed in individual(s) with hypocalciuric hypercalcemia (PMID: 11889203, 32347971). It has also been observed to segregate with disease in related individuals. ClinVar contains an entry for this variant (Variation ID: 1468770). An algorithm developed to predict the effect of missense changes on protein structure and function (PolyPhen-2) suggests that this variant is likely to be disruptive. Experimental studies have shown that this missense change affects CASR function (PMID: 11889203, 12095982, 19389809). For these reasons, this variant has been classified as Pathogenic.

Literature cited by the submitters: PubMed 11889203; PubMed 32347971; PubMed 12095982; PubMed 19389809.